The following is an entry in ClinVar:

ClinVar aggregate classification (germline): Conflicting classifications of pathogenicity. Review status: criteria provided, conflicting classifications (1 of 4 stars). 2 submissions from 2 submitters: Uncertain significance (1); Likely benign (1). Last evaluated 2026-06-29.

Conditions:
Cardiovascular phenotype. Identifiers: MedGen CN230736.

gnomAD v4.1: 3 of 1,549,468 alleles (0.00019%); highest among the groups gnomAD compares: South Asian, 0.0012%; no homozygotes.

Submissions (2):

Women's Health and Genetics/Laboratory Corporation of America, LabCorp
Classification: Uncertain significance. Last evaluated: 2026-06-29. Review status: criteria provided, single submitter. Criteria: LabCorp Variant Classification Summary - May 2015. Collection method: clinical testing. Allele origin: germline.
Comment: Variant summary: ZNF469 c.8059G>A (p.Ala2687Thr) results in a non-conservative amino acid change in the encoded protein sequence. Algorithms developed to predict the effect of missense changes on protein structure and function are either unavailable or do not agree on the potential impact of this missense change. The frequency data for this variant in gnomAD is considered unreliable, as metrics indicate poor data quality at this position. To our knowledge, no occurrence of c.8059G>A in individuals affected with ZNF469-related conditions and no experimental evidence demonstrating its impact on protein function have been reported. ClinVar contains an entry for this variant (Variation ID: 1761435). Based on the evidence outlined above, the variant was classified as uncertain significance.

Ambry Genetics
Classification: Likely benign for Cardiovascular phenotype. Last evaluated: 2021-10-13. Review status: criteria provided, single submitter. Criteria: Ambry Variant Classification Scheme 2023. Collection method: clinical testing. Allele origin: germline.

NM_001367624.2(ZNF469):c.8059G>A (p.Ala2687Thr)

Gene: ZNF469 (zinc finger protein 469; plus strand). Cytogenetic location: 16q24.2.
Variant type: single nucleotide variant.
Coding change: c.8059G>A on transcript NM_001367624.2 (MANE Select); coding-DNA position 8059, G replaced by A.
Protein change: p.Ala2687Thr; replaces alanine 2687 with threonine.
Molecular consequence: missense variant.
Genome position (GRCh38, 1-based): chr16:88,435,529, G>A. VCF-style: chr16-88435529-G-A. GRCh37 (hg19) VCF-style: chr16-88501937-G-A.
Other names: NM_001127464.1:c.7975G>A; short protein forms A2687T.
Identifiers: ClinVar variation 1761435 (VCV001761435.3), dbSNP rs1906508759, ClinGen allele CA397115774.